The following is an entry in ClinVar:

ClinVar aggregate classification (germline): Uncertain significance (1 of 4 stars; one submission).

gnomAD v4.1: 3 of 1,613,544 alleles (0.00019%); highest among the groups gnomAD compares: Non-Finnish European, 0.00025%; no homozygotes.

Submission:

Ambry Genetics
Classification: Uncertain significance. Last evaluated: 2024-01-16. Review status: criteria provided, single submitter. Criteria: Ambry Variant Classification Scheme 2023. Collection method: clinical testing. Allele origin: germline.
Comment: The p.R203T variant (also known as c.608G>C), located in coding exon 4 of the MNDA gene, results from a G to C substitution at nucleotide position 608. The arginine at codon 203 is replaced by threonine, an amino acid with similar properties. This amino acid position is conserved. In addition, this alteration is predicted to be tolerated by in silico analysis. Since supporting evidence is limited at this time, the clinical significance of this alteration remains unclear.

NM_002432.3(MNDA):c.608G>C (p.Arg203Thr)

Gene: MNDA (myeloid cell nuclear differentiation antigen; plus strand). Cytogenetic location: 1q23.1.
Variant type: single nucleotide variant.
Coding change: c.608G>C on transcript NM_002432.3 (MANE Select); coding-DNA position 608, G replaced by C.
Protein change: p.Arg203Thr; replaces arginine 203 with threonine.
Molecular consequence: missense variant.
Genome position (GRCh38, 1-based): chr1:158,845,624, G>C. VCF-style: chr1-158845624-G-C. GRCh37 (hg19) VCF-style: chr1-158815414-G-C.
Other names: short protein forms R203T.
Identifiers: ClinVar variation 1751502 (VCV001751502.2), dbSNP rs769156747, ClinGen allele CA343040743.